The following is an entry in ClinVar:

NM_006904.7(PRKDC):c.3719C>T (p.Thr1240Ile)

Gene: PRKDC (protein kinase, DNA-activated, catalytic subunit; minus strand). Cytogenetic location: 8q11.21.
Variant type: single nucleotide variant.
Coding change: c.3719C>T on transcript NM_006904.7 (MANE Select); coding-DNA position 3719, C replaced by T.
Protein change: p.Thr1240Ile; replaces threonine 1240 with isoleucine.
Molecular consequence: missense variant.
Genome position (GRCh38, 1-based): chr8:47,893,267, G>A on the plus strand (C>T on the coding strand, the complement: PRKDC is on the minus strand). VCF-style: chr8-47893267-G-A. GRCh37 (hg19) VCF-style: chr8-48805827-G-A.
Other names: c.3719C>T, p.Thr1240Ile (NM_001081640.2); short protein forms T1240I.
Identifiers: ClinVar variation 1414800 (VCV001414800.7), dbSNP rs1386837522, ClinGen allele CA371150546.

ClinVar aggregate classification (germline): Uncertain significance. Review status: criteria provided, multiple submitters, no conflicts (2 of 4 stars). 2 submissions from 2 submitters: Uncertain significance (2). Last evaluated 2024-02-23.

Conditions:
Severe combined immunodeficiency due to DNA-PKcs deficiency. Also called: IMMUNODEFICIENCY 26 WITH NEUROLOGIC ABNORMALITIES; Immunodeficiency 26 with or without neurologic abnormalities. Identifiers: Orphanet 317425, MedGen C4014833, MONDO:0014423, OMIM 615966.

Allele frequency attached by ClinVar (database versions not stated): gnomAD exomes 0.00001; TOPMed 0.00001.
gnomAD v4.1: 4 of 1,612,148 alleles (0.00025%); highest among the groups gnomAD compares: Middle Eastern, 0.017%; no homozygotes.

Submissions (2):

Labcorp Genetics (formerly Invitae), Labcorp
Classification: Uncertain significance for Severe combined immunodeficiency due to DNA-PKcs deficiency. Last evaluated: 2024-02-23. Review status: criteria provided, single submitter. Criteria: Invitae Variant Classification Sherloc (09022015). Collection method: clinical testing. Allele origin: germline.
Comment: This sequence change replaces threonine, which is neutral and polar, with isoleucine, which is neutral and non-polar, at codon 1240 of the PRKDC protein (p.Thr1240Ile). This variant is present in population databases (no rsID available, gnomAD 0.003%). This variant has not been reported in the literature in individuals affected with PRKDC-related conditions. ClinVar contains an entry for this variant (Variation ID: 1414800). Advanced modeling of protein sequence and biophysical properties (such as structural, functional, and spatial information, amino acid conservation, physicochemical variation, residue mobility, and thermodynamic stability) performed at Invitae indicates that this missense variant is expected to disrupt PRKDC protein function with a positive predictive value of 80%. In summary, the available evidence is currently insufficient to determine the role of this variant in disease. Therefore, it has been classified as a Variant of Uncertain Significance.

Ambry Genetics
Classification: Uncertain significance. Last evaluated: 2021-09-13. Review status: criteria provided, single submitter. Criteria: Ambry Variant Classification Scheme 2023. Collection method: clinical testing. Allele origin: germline.
Comment: The p.T1240I variant (also known as c.3719C>T), located in coding exon 31 of the PRKDC gene, results from a C to T substitution at nucleotide position 3719. The threonine at codon 1240 is replaced by isoleucine, an amino acid with similar properties. This amino acid position is conserved. In addition, the in silico prediction for this alteration is inconclusive. Since supporting evidence is limited at this time, the clinical significance of this alteration remains unclear.